The following is an entry in ClinVar:

NM_000834.5(GRIN2B):c.2459G>A (p.Gly820Glu)

Gene: GRIN2B (glutamate ionotropic receptor NMDA type subunit 2B; minus strand). Cytogenetic location: 12p13.1.
Variant type: single nucleotide variant.
Coding change: c.2459G>A on transcript NM_000834.5 (MANE Select); coding-DNA position 2459, G replaced by A.
Protein change: p.Gly820Glu; replaces glycine 820 with glutamic acid.
Molecular consequence: missense variant.
Genome position (GRCh38, 1-based): chr12:13,567,164, C>T on the plus strand (G>A on the coding strand, the complement: GRIN2B is on the minus strand). VCF-style: chr12-13567164-C-T. GRCh37 (hg19) VCF-style: chr12-13720098-C-T.
Other names: short protein forms G820E.
Identifiers: ClinVar variation 580700 (VCV000580700.17), dbSNP rs797044849, ClinGen allele CA383996388.

ClinVar aggregate classification (germline): Pathogenic/Likely pathogenic. Review status: criteria provided, multiple submitters, no conflicts (2 of 4 stars). 6 submissions from 6 submitters: Pathogenic (3); Likely pathogenic (2). 1 of the submissions does not count toward it. Last evaluated 2024-06-13.

Conditions:
Complex neurodevelopmental disorder. Identifiers: Orphanet 528084, MedGen C5568766, MONDO:0100038.
Intellectual developmental disorder, autosomal dominant 6, with or without seizures. Also called: Intellectual disability, autosomal dominant 6; GRIN2B-related developmental delay, intellectual disability and autism spectrum disorder. Identifiers: Orphanet 589547, MedGen C3151411, MONDO:0013509, OMIM 613970.
Developmental and epileptic encephalopathy, 27 (DEE27). Also called: Epileptic encephalopathy, early infantile, 27; GRIN2B-Related Neurodevelopmental Disorder. Identifiers: Orphanet 3451, MedGen C4015316, MONDO:0014505, OMIM 616139.
GRIN2B-related disorder. Also called: GRIN2B-related condition.

Submissions (6):

Blueprint Genetics
Classification: Likely pathogenic for GRIN2B-related disorders. Last evaluated: 2024-06-13. Review status: criteria provided, single submitter. Criteria: ACMG Guidelines, 2015. Collection method: clinical testing. Allele origin: germline. Affected: yes. Observed: 1 variant allele.

Mendelics
Classification: Pathogenic for Intellectual developmental disorder, autosomal dominant 6, with or without seizures. Last evaluated: 2022-05-04. Review status: criteria provided, single submitter. Criteria: Mendelics Assertion Criteria 2019. Collection method: clinical testing. Allele origin: germline.

Labcorp Genetics (formerly Invitae), Labcorp
Classification: Pathogenic for Developmental and epileptic encephalopathy, 27; Intellectual developmental disorder, autosomal dominant 6, with or without seizures. Last evaluated: 2020-01-27. Review status: criteria provided, single submitter. Criteria: Invitae Variant Classification Sherloc (09022015). Collection method: clinical testing. Allele origin: germline.
Comment: For these reasons, this variant has been classified as Pathogenic. This variant disrupts the p.Gly820 amino acid residue in GRIN2B. Other variant(s) that disrupt this residue have been determined to be pathogenic (PMID: 28377535, Invitae). This suggests that this residue is clinically significant, and that variants that disrupt this residue are likely to be disease-causing. This variant has been reported to affect GRIN2B protein function (PMID: 29681796, 30217972). This variant has been observed in individual(s) with clinical features of GRIN2B-related conditions (PMID: 25356899, 30440138). In at least one individual the variant was observed to be de novo. This variant is not present in population databases (ExAC no frequency). This sequence change replaces glycine with glutamic acid at codon 820 of the GRIN2B protein (p.Gly820Glu). The glycine residue is moderately conserved and there is a moderate physicochemical difference between glycine and glutamic acid.

GeneDx
Classification: Pathogenic. Last evaluated: 2018-09-18. Review status: criteria provided, single submitter. Criteria: GeneDx Variant Classification Process June 2021. Collection method: clinical testing. Allele origin: germline. Affected: yes.
Comment: Not observed in large population cohorts (Lek et al., 2016); In silico analysis, which includes protein predictors and evolutionary conservation, supports a deleterious effect; This variant is associated with the following publications: (PMID: 29681796, 28377535, 30440138, 30217972, 27818011, 25356899)

Institute of Human Genetics, University of Leipzig Medical Center
Classification: Likely pathogenic for Intellectual developmental disorder, autosomal dominant 6, with or without seizures. Last evaluated: 2017-04-04. Review status: criteria provided, single submitter. Criteria: ACMG Guidelines, 2015. Collection method: clinical testing. Allele origin: de novo. Affected: yes.
Comment: This variant was identified as de novo (maternity and paternity confirmed).

PreventionGenetics, part of Exact Sciences
Classification: Pathogenic for GRIN2B-related condition. Last evaluated: 2024-07-20. Review status: no assertion criteria provided. Collection method: clinical testing. Allele origin: germline. Not counted in ClinVar's aggregate classification.
Comment: The GRIN2B c.2459G>A variant is predicted to result in the amino acid substitution p.Gly820Glu. This variant has been reported as de novo in multiple individuals with intellectual disability or epilepsy (see for example - Hamdan et al. 2014. PubMed ID: 25356899; Platzer et al. 2017. PubMed ID: 28377535; Table S2, McKnight et al. 2021. PubMed ID: 34926809). This variant has not been reported in a large population database, indicating this variant is rare. This variant has been interpreted as likely pathogenic/pathogenic in ClinVar. This variant is interpreted as pathogenic.

Literature cited by the submitters: PubMed 28377535 (cited by Labcorp Genetics (formerly Invitae), Labcorp and Institute of Human Genetics, University of Leipzig Medical Center); PubMed 29681796 (cited by Labcorp Genetics (formerly Invitae), Labcorp); PubMed 30217972 (cited by Labcorp Genetics (formerly Invitae), Labcorp); PubMed 25356899 (cited by Labcorp Genetics (formerly Invitae), Labcorp); PubMed 30440138 (cited by Labcorp Genetics (formerly Invitae), Labcorp).